The following is an entry in ClinVar:

NM_001257096.2(PAX1):c.734C>T (p.Thr245Met)

Gene: PAX1 (paired box 1; plus strand). Cytogenetic location: 20p11.22.
Variant type: single nucleotide variant.
Coding change: c.734C>T on transcript NM_001257096.2 (MANE Select); coding-DNA position 734, C replaced by T.
Protein change: p.Thr245Met; replaces threonine 245 with methionine.
Molecular consequence: missense variant.
Genome position (GRCh38, 1-based): chr20:21,706,885, C>T. VCF-style: chr20-21706885-C-T. GRCh37 (hg19) VCF-style: chr20-21687523-C-T.
Other names: c.734C>T, p.Thr245Met (NM_006192.5); short protein forms T245M.
Identifiers: ClinVar variation 1946470 (VCV001946470.4), dbSNP rs995678494, ClinGen allele CA313027475.

ClinVar aggregate classification (germline): Uncertain significance (1 of 4 stars; one submission).

Allele frequency attached by ClinVar (database versions not stated): gnomAD exomes below 0.00001; TOPMed below 0.00001; gnomAD 0.00001.

Submission:

Labcorp Genetics (formerly Invitae), Labcorp
Classification: Uncertain significance. Last evaluated: 2024-05-15. Review status: criteria provided, single submitter. Criteria: Invitae Variant Classification Sherloc (09022015). Collection method: clinical testing. Allele origin: germline.
Comment: This sequence change replaces threonine, which is neutral and polar, with methionine, which is neutral and non-polar, at codon 245 of the PAX1 protein (p.Thr245Met). This variant is not present in population databases (gnomAD no frequency). This variant has not been reported in the literature in individuals affected with PAX1-related conditions. ClinVar contains an entry for this variant (Variation ID: 1946470). Advanced modeling of protein sequence and biophysical properties (such as structural, functional, and spatial information, amino acid conservation, physicochemical variation, residue mobility, and thermodynamic stability) performed at Invitae indicates that this missense variant is not expected to disrupt PAX1 protein function with a negative predictive value of 80%. In summary, the available evidence is currently insufficient to determine the role of this variant in disease. Therefore, it has been classified as a Variant of Uncertain Significance.